The following is an entry in ClinVar:

ClinVar aggregate classification (germline): Likely benign. Review status: criteria provided, multiple submitters, no conflicts (2 of 4 stars). 2 submissions from 2 submitters: Likely benign (2). Last evaluated 2025-03-27.

Allele frequency attached by ClinVar (database versions not stated): ExAC 0.00003; TOPMed 0.00003; gnomAD 0.00005; gnomAD exomes 0.00006.
gnomAD v4.1: 89 of 1,599,290 alleles (0.0056%); highest among the groups gnomAD compares: East Asian, 0.076%; 1 homozygote.

Submissions (2):

Labcorp Genetics (formerly Invitae), Labcorp
Classification: Likely benign. Last evaluated: 2025-03-27. Review status: criteria provided, single submitter. Criteria: Invitae Variant Classification Sherloc (09022015). Collection method: clinical testing. Allele origin: germline.

CeGaT Center for Human Genetics Tuebingen
Classification: Likely benign. Last evaluated: 2022-06-01. Review status: criteria provided, single submitter. Criteria: CeGaT Center For Human Genetics Tuebingen Variant Classification Criteria Version 2. Collection method: clinical testing. Allele origin: germline. Affected: yes. Observed: 1 variant allele.
Comment: ATRN: BP4, BP7

NM_139321.3(ATRN):c.3561C>T (p.Asp1187=)

Gene: ATRN (attractin; plus strand). Cytogenetic location: 20p13.
Variant type: single nucleotide variant.
Coding change: c.3561C>T on transcript NM_139321.3 (MANE Select); coding-DNA position 3561, C replaced by T.
Protein change: p.Asp1187=; no amino-acid change (aspartic acid 1187 retained).
Molecular consequence: synonymous variant.
Genome position (GRCh38, 1-based): chr20:3,597,997, C>T. VCF-style: chr20-3597997-C-T. GRCh37 (hg19) VCF-style: chr20-3578644-C-T.
Other names: c.3213C>T, p.Asp1071= (NM_001207047.3); c.3561C>T, p.Asp1187= (NM_001323332.2, NM_139322.4).
Identifiers: ClinVar variation 2652174 (VCV002652174.25), dbSNP rs749521022, ClinGen allele CA9744577.